The following is an entry in ClinVar:

ClinVar aggregate classification (germline): Uncertain significance. Review status: criteria provided, multiple submitters, no conflicts (2 of 4 stars). 2 submissions from 2 submitters: Uncertain significance (2). Last evaluated 2025-04-17.

Conditions:
Ataxia-telangiectasia-like disorder (ATLD). Identifiers: MedGen C1858391, MONDO:0011457.
Hereditary cancer-predisposing syndrome. Also called: Hereditary neoplastic syndrome; Neoplastic Syndromes, Hereditary; Tumor predisposition; Hereditary Cancer Syndrome. Identifiers: Orphanet 140162, MedGen C0027672, MeSH D009386, MONDO:0015356.

Submissions (2):

Labcorp Genetics (formerly Invitae), Labcorp
Classification: Uncertain significance for Ataxia-telangiectasia-like disorder. Last evaluated: 2025-04-17. Review status: criteria provided, single submitter. Criteria: Invitae Variant Classification Sherloc (09022015). Collection method: clinical testing. Allele origin: germline.
Comment: This sequence change replaces threonine, which is neutral and polar, with alanine, which is neutral and non-polar, at codon 303 of the MRE11 protein (p.Thr303Ala). This variant is not present in population databases (gnomAD no frequency). This variant has not been reported in the literature in individuals affected with MRE11-related conditions. ClinVar contains an entry for this variant (Variation ID: 1681599). An algorithm developed to predict the effect of missense changes on protein structure and function (PolyPhen-2) suggests that this variant is likely to be disruptive. In summary, the available evidence is currently insufficient to determine the role of this variant in disease. Therefore, it has been classified as a Variant of Uncertain Significance.

Ambry Genetics
Classification: Uncertain significance for Hereditary cancer-predisposing syndrome. Last evaluated: 2024-01-25. Review status: criteria provided, single submitter. Criteria: Ambry Variant Classification Scheme 2023. Collection method: clinical testing. Allele origin: germline.
Comment: The p.T303A variant (also known as c.907A>G), located in coding exon 8 of the MRE11A gene, results from an A to G substitution at nucleotide position 907. The threonine at codon 303 is replaced by alanine, an amino acid with similar properties. This amino acid position is conserved. In addition, this alteration is predicted to be deleterious by in silico analysis. Based on the available evidence, the clinical significance of this alteration remains unclear.

NM_005591.4(MRE11):c.907A>G (p.Thr303Ala)

Gene: MRE11 (MRE11 double strand break repair nuclease; minus strand). Cytogenetic location: 11q21.
Variant type: single nucleotide variant.
Coding change: c.907A>G on transcript NM_005591.4 (MANE Select); coding-DNA position 907, A replaced by G.
Protein change: p.Thr303Ala; replaces threonine 303 with alanine.
Molecular consequence: missense variant.
Genome position (GRCh38, 1-based): chr11:94,470,581, T>C on the plus strand (A>G on the coding strand, the complement: MRE11 is on the minus strand). VCF-style: chr11-94470581-T-C. GRCh37 (hg19) VCF-style: chr11-94203747-T-C.
Other names: c.907A>G (NM_005591.3); c.907A>G, p.Thr303Ala (NM_001330347.2, NM_005590.4); short protein forms T303A.
Identifiers: ClinVar variation 1681599 (VCV001681599.5), dbSNP rs2135040061, ClinGen allele CA382374511.